The following is an entry in ClinVar:

ClinVar aggregate classification (germline): Benign. Review status: criteria provided, multiple submitters, no conflicts (2 of 4 stars). 5 submissions from 5 submitters: Benign (3). 2 of the submissions do not count toward it. Last evaluated 2026-01-31.

Conditions:
Fraser syndrome 1 (FRASRS1). Also called: CRYPTOPHTHALMOS WITH OTHER MALFORMATIONS. Identifiers: Orphanet 2052, MedGen C4551480, MONDO:0054737, OMIM 219000.

Allele frequency attached by ClinVar (database versions not stated): gnomAD exomes 0.00111 and 0.00279; ExAC 0.00361; gnomAD 0.01150 and 0.01249; 1000 Genomes Project 0.01178; 1000 Genomes Project 30x 0.01218; TOPMed 0.01323; ESP Exome Variant Server 0.01349.
gnomAD v4.1: 3,442 of 1,613,932 alleles (0.21%); highest among the groups gnomAD compares: African/African-American, 4.1%; 61 homozygotes.

Submissions (5):

Labcorp Genetics (formerly Invitae), Labcorp
Classification: Benign. Last evaluated: 2026-01-31. Review status: criteria provided, single submitter. Criteria: Invitae Variant Classification Sherloc (09022015). Collection method: clinical testing. Allele origin: germline.

Illumina Laboratory Services, Illumina
Classification: Benign for Fraser syndrome 1. Last evaluated: 2018-01-13. Review status: criteria provided, single submitter. Criteria: ICSL Variant Classification Criteria 13 December 2019. Collection method: clinical testing. Allele origin: germline.
Comment: This variant was observed in the ICSL laboratory as part of a predisposition screen in an ostensibly healthy population. It had not been previously curated by ICSL or reported in the Human Gene Mutation Database (HGMD: prior to June 1st, 2018), and was therefore a candidate for classification through an automated scoring system. Utilizing variant allele frequency, disease prevalence and penetrance estimates, and inheritance mode, an automated score was calculated to assess if this variant is too frequent to cause the disease. Based on the score and internal cut-off values, a variant classified as benign is not then subjected to further curation. The score for this variant resulted in a classification of benign for this disease.

Breakthrough Genomics
Classification: Benign. Review status: criteria provided, single submitter. Criteria: ACMG Guidelines, 2015. Collection method: not provided. Allele origin: germline. Inheritance: Autosomal recessive inheritance. Affected: yes.

Genome Diagnostics Laboratory, University Medical Center Utrecht
Classification: Likely benign. Review status: no assertion criteria provided. Collection method: clinical testing. Allele origin: germline. Affected: yes. Study: VKGL Data-share Consensus. Not counted in ClinVar's aggregate classification.

Laboratory of Diagnostic Genome Analysis, Leiden University Medical Center (LUMC)
Classification: Likely benign. Review status: no assertion criteria provided. Collection method: clinical testing. Allele origin: germline. Affected: yes. Study: VKGL Data-share Consensus. Not counted in ClinVar's aggregate classification.

NM_025074.7(FRAS1):c.9955C>G (p.Gln3319Glu)

Gene: FRAS1 (Fraser extracellular matrix complex subunit 1; plus strand). Cytogenetic location: 4q21.21.
Variant type: single nucleotide variant.
Coding change: c.9955C>G on transcript NM_025074.7 (MANE Select); coding-DNA position 9955, C replaced by G.
Protein change: p.Gln3319Glu; replaces glutamine 3319 with glutamic acid.
Molecular consequence: missense variant.
Genome position (GRCh38, 1-based): chr4:78,511,448, C>G. VCF-style: chr4-78511448-C-G. GRCh37 (hg19) VCF-style: chr4-79432602-C-G.
Other names: short protein forms Q3319E.
Identifiers: ClinVar variation 349791 (VCV000349791.17), dbSNP rs78619145, ClinGen allele CA2978810.